The following is an entry in ClinVar:

ClinVar aggregate classification (germline): Likely pathogenic (1 of 4 stars; one submission).

Conditions:
Werner syndrome (WRN). Identifiers: Orphanet 902, MedGen C0043119, MONDO:0010196, OMIM 277700.

Allele frequency attached by ClinVar (database versions not stated): gnomAD 0.00001; TOPMed 0.00001.
gnomAD v4.1: 20 of 1,611,798 alleles (0.0012%); highest among the groups gnomAD compares: Non-Finnish European, 0.0016%; no homozygotes.

Submission:

Labcorp Genetics (formerly Invitae), Labcorp
Classification: Likely pathogenic for Werner syndrome. Last evaluated: 2025-07-30. Review status: criteria provided, single submitter. Criteria: Invitae Variant Classification Sherloc (09022015). Collection method: clinical testing. Allele origin: germline.
Comment: This sequence change affects a donor splice site in intron 5 of the WRN gene. It is expected to disrupt RNA splicing. Variants that disrupt the donor or acceptor splice site typically lead to a loss of protein function (PMID: 16199547), and loss-of-function variants in WRN are known to be pathogenic (PMID: 16673358). This variant is not present in population databases (gnomAD no frequency). This variant has not been reported in the literature in individuals affected with WRN-related conditions. ClinVar contains an entry for this variant (Variation ID: 948038). Algorithms developed to predict the effect of sequence changes on RNA splicing suggest that this variant may disrupt the consensus splice site. In summary, the currently available evidence indicates that the variant is pathogenic, but additional data are needed to prove that conclusively. Therefore, this variant has been classified as Likely Pathogenic.

Literature cited by the submitters: PubMed 16199547; PubMed 16673358.

NM_000553.6(WRN):c.504+1G>T

Gene: WRN (WRN RecQ like helicase; plus strand). Cytogenetic location: 8p12.
Variant type: single nucleotide variant.
Coding change: c.504+1G>T on transcript NM_000553.6 (MANE Select); the canonical splice donor site of the intron after coding-DNA position 504, G replaced by T.
Molecular consequence: splice donor variant.
Genome position (GRCh38, 1-based): chr8:31,065,064, G>T. VCF-style: chr8-31065064-G-T. GRCh37 (hg19) VCF-style: chr8-30922580-G-T.
Identifiers: ClinVar variation 948038 (VCV000948038.7), dbSNP rs1163988347, ClinGen allele CA370915115.